The following is an entry in ClinVar:

ClinVar aggregate classification (germline): Uncertain significance. Review status: criteria provided, multiple submitters, no conflicts (2 of 4 stars). 2 submissions from 2 submitters: Uncertain significance (2). Last evaluated 2025-01-23.

Conditions:
Inborn genetic diseases. Identifiers: MedGen C0950123, MeSH D030342.

Submissions (2):

Ambry Genetics
Classification: Uncertain significance for Inborn genetic diseases. Last evaluated: 2025-01-23. Review status: criteria provided, single submitter. Criteria: Ambry Variant Classification Scheme 2023. Collection method: clinical testing. Allele origin: germline.

GeneDx
Classification: Uncertain significance. Last evaluated: 2022-12-05. Review status: criteria provided, single submitter. Criteria: GeneDx Variant Classification Process June 2021. Collection method: clinical testing. Allele origin: germline. Affected: yes.
Comment: Not observed at significant frequency in large population cohorts (gnomAD); In silico analysis supports that this missense variant does not alter protein structure/function; Has not been previously published as pathogenic or benign to our knowledge

NM_001040716.2(PC):c.3283A>G (p.Met1095Val)

Gene: PC (pyruvate carboxylase; minus strand). Cytogenetic location: 11q13.2.
Variant type: single nucleotide variant.
Coding change: c.3283A>G on transcript NM_001040716.2 (MANE Select); coding-DNA position 3283, A replaced by G.
Protein change: p.Met1095Val; replaces methionine 1095 with valine.
Molecular consequence: missense variant.
Genome position (GRCh38, 1-based): chr11:66,849,235, T>C on the plus strand (A>G on the coding strand, the complement: PC is on the minus strand). VCF-style: chr11-66849235-T-C. GRCh37 (hg19) VCF-style: chr11-66616706-T-C.
Other names: c.3283A>G, p.Met1095Val (NM_000920.4, NM_022172.3); short protein forms M1095V.
Identifiers: ClinVar variation 2504261 (VCV002504261.2), dbSNP rs984302850, ClinGen allele CA381489855.